The following is an entry in ClinVar:

NM_144997.7(FLCN):c.245G>A (p.Cys82Tyr)

Gene: FLCN (folliculin; minus strand). Cytogenetic location: 17p11.2.
Variant type: single nucleotide variant.
Coding change: c.245G>A on transcript NM_144997.7 (MANE Select); coding-DNA position 245, G replaced by A.
Protein change: p.Cys82Tyr; replaces cysteine 82 with tyrosine.
Molecular consequence: missense variant.
Genome position (GRCh38, 1-based): chr17:17,227,893, C>T on the plus strand (G>A on the coding strand, the complement: FLCN is on the minus strand). VCF-style: chr17-17227893-C-T. GRCh37 (hg19) VCF-style: chr17-17131207-C-T.
Other names: c.245G>A, p.Cys82Tyr (NM_001353229.2, NM_001353230.2, NM_001353231.2 and 1 more transcripts); short protein forms C82Y.
Identifiers: ClinVar variation 1062664 (VCV001062664.9), dbSNP rs2145038404, ClinGen allele CA398535018.

ClinVar aggregate classification (germline): Uncertain significance. Review status: criteria provided, multiple submitters, no conflicts (2 of 4 stars). 2 submissions from 2 submitters: Uncertain significance (2). Last evaluated 2025-07-28.

Conditions:
Hereditary cancer-predisposing syndrome. Also called: Tumor predisposition; Neoplastic Syndromes, Hereditary; Hereditary Cancer Syndrome; Hereditary neoplastic syndrome. Identifiers: Orphanet 140162, MedGen C0027672, MeSH D009386, MONDO:0015356.
Birt-Hogg-Dube syndrome. Also called: Birt Hogg Dubé syndrome. Identifiers: Orphanet 122, MedGen C0346010, MONDO:0800444.

Submissions (2):

Ambry Genetics
Classification: Uncertain significance for Hereditary cancer-predisposing syndrome. Last evaluated: 2025-07-28. Review status: criteria provided, single submitter. Criteria: Ambry Variant Classification Scheme 2023. Collection method: clinical testing. Allele origin: germline.
Comment: The p.C82Y variant (also known as c.245G>A), located in coding exon 1 of the FLCN gene, results from a G to A substitution at nucleotide position 245. The cysteine at codon 82 is replaced by tyrosine, an amino acid with highly dissimilar properties. This amino acid position is highly conserved in available vertebrate species. In addition, this alteration is predicted to be deleterious by in silico analysis. Since supporting evidence is limited at this time, the clinical significance of this alteration remains unclear.

Labcorp Genetics (formerly Invitae), Labcorp
Classification: Uncertain significance for Birt-Hogg-Dube syndrome. Last evaluated: 2024-12-18. Review status: criteria provided, single submitter. Criteria: Invitae Variant Classification Sherloc (09022015). Collection method: clinical testing. Allele origin: germline.
Comment: This sequence change replaces cysteine, which is neutral and slightly polar, with tyrosine, which is neutral and polar, at codon 82 of the FLCN protein (p.Cys82Tyr). This variant is not present in population databases (gnomAD no frequency). This variant has not been reported in the literature in individuals affected with FLCN-related conditions. ClinVar contains an entry for this variant (Variation ID: 1062664). Invitae Evidence Modeling of protein sequence and biophysical properties (such as structural, functional, and spatial information, amino acid conservation, physicochemical variation, residue mobility, and thermodynamic stability) indicates that this missense variant is expected to disrupt FLCN protein function with a positive predictive value of 80%. In summary, the available evidence is currently insufficient to determine the role of this variant in disease. Therefore, it has been classified as a Variant of Uncertain Significance.